The following is an entry in ClinVar:

NM_007294.4(BRCA1):c.799dup (p.Ser267fs)

Gene: BRCA1 (BRCA1 DNA repair associated; minus strand). Cytogenetic location: 17q21.31.
Variant type: Duplication.
Coding change: c.799dup on transcript NM_007294.4 (MANE Select); coding-DNA position 799, one base duplicated (T; older notation c.799dupT).
Protein change: p.Ser267fs; shifts the reading frame from serine 267.
Molecular consequence: frameshift variant. On other transcripts: 5 prime UTR variant (2), intron variant (137).
Genome position (GRCh38, 1-based): chr17:43,094,732, A duplicated on the plus strand (T on the coding strand, the reverse complement: BRCA1 is on the minus strand); the first of 3 consecutive A bases (chr17:43,094,732-43,094,734); duplicating any one gives the same sequence. VCF-style (leftmost placement, unchanged base first): chr17-43094731-G-GA. GRCh37 (hg19) VCF-style: chr17-41246748-G-GA.
Other names: 918insT; c.673dup, p.Ser225fs (NM_001407689.1, NM_001407690.1, NM_001407691.1 and 11 more transcripts); c.658dup, p.Ser220fs (NM_001407692.1, NM_001407694.1, NM_001407695.1 and 29 more transcripts); c.655dup, p.Ser219fs (NM_001407740.1, NM_001407741.1, NM_001407742.1 and 20 more transcripts); c.586dup, p.Ser196fs (NM_001407853.1, NM_001407894.1, NM_001407895.1 and 9 more transcripts); c.799dup, p.Ser267fs (NM_001407854.1, NM_001407858.1, NM_001407859.1 and 30 more transcripts); c.796dup, p.Ser266fs (NM_001407860.1, NM_001407861.1, NM_001407587.1 and 22 more transcripts); c.598dup, p.Ser200fs (NM_001407862.1); and 42 more; short protein forms S220fs, S267fs, S139fs, S219fs, S225fs, S264fs, S266fs, S179fs.
Identifiers: ClinVar variation 55709 (VCV000055709.20), dbSNP rs80357724, ClinGen allele CA328063.
Genomic context (GRCh38, chr17:43,094,731, plus strand): 5'-TTCTCATGCTGTAATGAGCTGGCATGAGTATTTGTGCCACATGGCTCCACATGCAAGTTT[G>GA]AAACAGAACTACCCTGATACTTTTCTGGATGCCTCTCAGCTGCACGCTTCTCAGTGGTGT-3'

ClinVar aggregate classification (germline): Pathogenic. Review status: reviewed by expert panel (3 of 4 stars). 5 submissions from 5 submitters: Pathogenic (1). 4 of the submissions do not count toward it. Last evaluated 2016-10-18.

Conditions:
Hereditary cancer-predisposing syndrome. Also called: Hereditary Cancer Syndrome; Hereditary neoplastic syndrome; Neoplastic Syndromes, Hereditary; Tumor predisposition. Identifiers: Orphanet 140162, MedGen C0027672, MeSH D009386, MONDO:0015356.
Breast-ovarian cancer, familial, susceptibility to, 1 (BROVCA1). Also called: BRCA1 Hereditary Breast and Ovarian Cancer; OVARIAN CANCER, SUSCEPTIBILITY TO. Identifiers: Orphanet 145, MedGen C2676676, MONDO:0011450, OMIM 604370. Disease mechanism: loss of function.
Hereditary breast ovarian cancer syndrome. Also called: BRCA1- and BRCA2-Associated Hereditary Breast and Ovarian Cancer; Hereditary breast and ovarian cancer syndrome; Hereditary breast and ovarian cancer syndrome (HBOC); Breast and ovarian cancer; Hereditary breast and/or ovarian cancer syndrome; Hereditary breast and ovarian cancer. Identifiers: Orphanet 145, MedGen C0677776, MeSH D061325, MONDO:0003582. Disease mechanism: loss of function.

Submissions (5):

Evidence-based Network for the Interpretation of Germline Mutant Alleles (ENIGMA)
Classification: Pathogenic for Breast-ovarian cancer, familial, susceptibility to, 1. Last evaluated: 2016-10-18. Review status: reviewed by expert panel. Criteria: ENIGMA BRCA1/2 Classification Criteria (2015). Collection method: curation. Allele origin: germline.
Comment: Variant allele predicted to encode a truncated non-functional protein.

Ambry Genetics
Classification: Pathogenic for Hereditary cancer-predisposing syndrome. Last evaluated: 2023-04-06. Review status: criteria provided, single submitter. Criteria: Ambry Variant Classification Scheme 2023. Collection method: clinical testing. Allele origin: germline. Not counted in ClinVar's aggregate classification.
Comment: The c.799dupT pathogenic mutation, located in coding exon 9 of the BRCA1 gene, results from a duplication of T at nucleotide position 799, causing a translational frameshift with a predicted alternate stop codon (p.S267Ffs*20). This alteration was identified in 1 of 283 epithelial ovarian cancer families from the United Kingdom and the United States undergoing BRCA1/2 genetic testing (Ramus SJ et al. Hum Mutat, 2007 Dec;28:1207-15). This variant is considered to be rare based on population cohorts in the Genome Aggregation Database (gnomAD). In addition to the clinical data presented in the literature, this alteration is expected to result in loss of function by premature protein truncation or nonsense-mediated mRNA decay. As such, this alteration is interpreted as a disease-causing mutation.

Labcorp Genetics (formerly Invitae), Labcorp
Classification: Pathogenic for Hereditary breast ovarian cancer syndrome. Last evaluated: 2019-09-22. Review status: criteria provided, single submitter. Criteria: Invitae Variant Classification Sherloc (09022015). Collection method: clinical testing. Allele origin: germline. Not counted in ClinVar's aggregate classification.
Comment: This sequence change creates a premature translational stop signal (p.Ser267Phefs*20) in the BRCA1 gene. It is expected to result in an absent or disrupted protein product. This variant is not present in population databases (ExAC no frequency). For these reasons, this variant has been classified as Pathogenic. Loss-of-function variants in BRCA1 are known to be pathogenic (PMID: 20104584). This variant has been observed in a family affected with ovarian and breast cancer (PMID: 17688236). ClinVar contains an entry for this variant (Variation ID: 55709).

Quest Diagnostics Nichols Institute San Juan Capistrano
Classification: Pathogenic. Last evaluated: 2018-10-20. Review status: criteria provided, single submitter. Criteria: Quest Diagnostics criteria. Collection method: clinical testing. Allele origin: germline. Not counted in ClinVar's aggregate classification.
Comment: The variant results in a shift of the reading frame, and is therefore predicted to significantly disrupt the protein structure. Found in at least one symptomatic patient, and not found in general population data.

Consortium of Investigators of Modifiers of BRCA1/2 (CIMBA), c/o University of Cambridge
Classification: Pathogenic for Breast-ovarian cancer, familial, susceptibility to, 1. Last evaluated: 2015-10-02. Review status: criteria provided, single submitter. Criteria: CIMBA Mutation Classification guidelines May 2016. Collection method: clinical testing. Allele origin: germline. Not counted in ClinVar's aggregate classification.

Literature cited by the submitters: PubMed 17688236 (cited by 3 submitters); PubMed 20104584 (cited by Labcorp Genetics (formerly Invitae), Labcorp); PubMed 29446198 (cited by Quest Diagnostics Nichols Institute San Juan Capistrano).